The following is an entry in ClinVar:

ClinVar aggregate classification (germline): Benign. Review status: criteria provided, multiple submitters, no conflicts (2 of 4 stars). 2 submissions from 2 submitters: Benign (2). Last evaluated 2018-06-16.

Allele frequency attached by ClinVar (database versions not stated): 1000 Genomes Project 30x 0.03841; gnomAD 0.02820; TOPMed 0.03259; 1000 Genomes Project 0.03514.
gnomAD v4.1: 7,567 of 1,082,522 alleles (0.7%); highest among the groups gnomAD compares: African/African-American, 10%; 370 homozygotes.

Submissions (2):

GeneDx
Classification: Benign. Last evaluated: 2018-06-16. Review status: criteria provided, single submitter. Criteria: GeneDx Variant Classification (06012015). Collection method: clinical testing. Allele origin: germline. Affected: yes.
Comment: This variant is considered likely benign or benign based on one or more of the following criteria: it is a conservative change, it occurs at a poorly conserved position in the protein, it is predicted to be benign by multiple in silico algorithms, and/or has population frequency not consistent with disease.

Breakthrough Genomics
Classification: Benign. Review status: criteria provided, single submitter. Criteria: ACMG Guidelines, 2015. Collection method: not provided. Allele origin: germline. Inheritance: Autosomal recessive inheritance. Affected: yes.

NM_203447.4(DOCK8):c.1126-121T>A

Gene: DOCK8 (dedicator of cytokinesis 8; plus strand). Cytogenetic location: 9p24.3.
Variant type: single nucleotide variant.
Coding change: c.1126-121T>A on transcript NM_203447.4 (MANE Select); 121 bases into the intron before coding-DNA position 1126, T replaced by A.
Molecular consequence: intron variant.
Genome position (GRCh38, 1-based): chr9:334,104, T>A. VCF-style: chr9-334104-T-A. GRCh37 (hg19) VCF-style: chr9-334104-T-A.
Other names: c.922-121T>A (NM_001193536.2, NM_001190458.2).
Identifiers: ClinVar variation 676847 (VCV000676847.2), dbSNP rs16931101, ClinGen allele CA15616113.